The following is an entry in ClinVar:

ClinVar aggregate classification (germline): Conflicting classifications of pathogenicity. Review status: criteria provided, conflicting classifications (1 of 4 stars). 8 submissions from 7 submitters: Likely pathogenic (1); Uncertain significance (6); Likely benign (1). Last evaluated 2025-08-12.

Conditions:
3-Methylglutaconic aciduria type 3 (MGCA3). Also called: OPA3, AUTOSOMAL RECESSIVE; OPA3-Related 3-Methylglutaconic Aciduria; Costeff Syndrome; OPTIC ATROPHY 3, AUTOSOMAL RECESSIVE. Identifiers: Orphanet 67047, MedGen C0574084, MONDO:0009787, OMIM 258501.
Optic atrophy 3 (OPA3). Also called: OPTIC ATROPHY 3, AUTOSOMAL DOMINANT; Optic atrophy, cataract, and neurologic disorder; Optic atrophy 3 with cataract. Identifiers: Orphanet 67036, MedGen C1833809, MONDO:0008133, OMIM 165300.
OPA3-related disorder. Also called: OPA3-related condition.

Allele frequency attached by ClinVar (database versions not stated): gnomAD 0.00001 and 0.00002; gnomAD exomes 0.00002 and 0.00007; TOPMed 0.00005; ExAC 0.00006.

Submissions (8):

Women's Health and Genetics/Laboratory Corporation of America, LabCorp
Classification: Likely benign. Last evaluated: 2025-08-12. Review status: criteria provided, single submitter. Criteria: LabCorp Variant Classification Summary - May 2015. Collection method: clinical testing. Allele origin: germline.
Comment: Variant summary: OPA3 c.123C>G (p.Ile41Met) results in a conservative amino acid change in the encoded protein sequence. Algorithms developed to predict the effect of missense changes on protein structure and function are either unavailable or do not agree on the potential impact of this missense change. The variant allele was found at a frequency of 6.8e-05 in 251366 control chromosomes, predominantly at a frequency of 0.00082 within the East Asian subpopulation in the gnomAD database. The observed variant frequency within East Asian control individuals in the gnomAD database is approximately 1312 fold of the estimated maximal expected allele frequency for a pathogenic variant in OPA3 causing Optic Atrophy 3 phenotype (6.3e-07). c.123C>G has been observed in individual(s) affected with Optic Atrophy 3 without strong evidence for causality (Chen_2014, Fan_2020, Li_2020). These reports do not provide unequivocal conclusions about association of the variant with Optic Atrophy 3. At-least one co-occurrence with another apparently pathogenic variant(s) has been reported (OPA1 c.1682-1G>A) in two individuals likely from one family with suspected optic neuropathy, providing supporting evidence for a benign role (Li_2020). To our knowledge, no occurrence of this variant in individuals affected with autosomal recessive 3-Methylglutaconic Aciduria Type 3 and experimental evidence demonstrating an impact on protein function has been reported. The following publications have been ascertained in the context of this evaluation (PMID: 25205859, 32883240, 32855858). ClinVar contains an entry for this variant (Variation ID: 894212). Based on the evidence outlined above, the variant was classified as likely benign.

PreventionGenetics, part of Exact Sciences
Classification: Uncertain significance for OPA3-related condition. Last evaluated: 2023-03-09. Review status: criteria provided, single submitter. Criteria: ACMG Guidelines, 2015. Collection method: clinical testing. Allele origin: germline.
Comment: The OPA3 c.123C>G variant is predicted to result in the amino acid substitution p.Ile41Met. This variant has been reported in the heterozygous state in patients with optic atrophy with or without cataracts (Chen et al 2014. PubMed ID: 25205859; Fan et al. 2020. PubMed ID: 32883240; Li et al. 2020. PubMed ID: 32855858). Inheritance from affected and unaffected parents has been documented and suggests that this variant may be incompletely penetrant (Fan et al. 2020. PubMed ID: 32883240). This variant is reported in 0.082% of alleles in individuals of East Asian descent in gnomAD. This variant has been interpreted by the majority of submitters in ClinVar as uncertain. Although we suspect that this variant may be pathogenic, at this time, the clinical significance of this variant is uncertain due to the absence of conclusive functional and genetic evidence.

Revvity Omics, Revvity
Classification: Likely pathogenic. Last evaluated: 2022-12-01. Review status: criteria provided, single submitter. Criteria: ACMG Guidelines, 2015. Collection method: clinical testing. Allele origin: germline.

Labcorp Genetics (formerly Invitae), Labcorp
Classification: Uncertain significance for 3-Methylglutaconic aciduria type 3; Optic atrophy 3. Last evaluated: 2022-10-13. Review status: criteria provided, single submitter. Criteria: Invitae Variant Classification Sherloc (09022015). Collection method: clinical testing. Allele origin: germline.
Comment: This sequence change replaces isoleucine, which is neutral and non-polar, with methionine, which is neutral and non-polar, at codon 41 of the OPA3 protein (p.Ile41Met). This variant is present in population databases (rs763083098, gnomAD 0.09%). This missense change has been observed in individual(s) with clinical features of optic atrophy (PMID: 25205859, 28081242). ClinVar contains an entry for this variant (Variation ID: 894212). Algorithms developed to predict the effect of missense changes on protein structure and function are either unavailable or do not agree on the potential impact of this missense change (SIFT: "Deleterious"; PolyPhen-2: "Benign"; Align-GVGD: "Class C0"). In summary, the available evidence is currently insufficient to determine the role of this variant in disease. Therefore, it has been classified as a Variant of Uncertain Significance.

Fulgent Genetics
Classification: Uncertain significance for Optic atrophy 3; 3-Methylglutaconic aciduria type 3. Last evaluated: 2022-02-23. Review status: criteria provided, single submitter. Criteria: ACMG Guidelines, 2015. Collection method: clinical testing. Allele origin: unknown.

Illumina Laboratory Services, Illumina
Classification: Uncertain significance for Optic atrophy 3. Last evaluated: 2017-05-01. Review status: criteria provided, single submitter. Criteria: ICSL Variant Classification Criteria 13 December 2019. Collection method: clinical testing. Allele origin: germline.
Comment: This variant was observed as part of a predisposition screen in an ostensibly healthy population. A literature search was performed for the gene, cDNA change, and amino acid change (where applicable). Publications were found based on this search. However, the evidence from the literature, in combination with allele frequency data from public databases where available, was not sufficient to rule this variant in or out of causing disease. Therefore, this variant is classified as a variant of unknown significance.

Illumina Laboratory Services, Illumina
Classification: Uncertain significance for 3-Methylglutaconic aciduria type 3. Last evaluated: 2017-05-01. Review status: criteria provided, single submitter. Criteria: ICSL Variant Classification Criteria 13 December 2019. Collection method: clinical testing. Allele origin: germline.

Pediatric Department, Xiangya Hospital, Central South University
Classification: Uncertain significance. Review status: criteria provided, single submitter. Criteria: ACMG Guidelines, 2015. Collection method: clinical testing. Allele origin: inherited. Inheritance: Autosomal recessive inheritance. Affected: yes. Observed: 2 homozygotes. Clinical features observed: Neurodevelopmental delay, seizure, Ataxia, Cerebellar atrophy.

Literature cited by the submitters: PubMed 32883240 (cited by Women's Health and Genetics/Laboratory Corporation of America, LabCorp); PubMed 25205859 (cited by 3 submitters); PubMed 32855858 (cited by Women's Health and Genetics/Laboratory Corporation of America, LabCorp); PubMed 28081242 (cited by Labcorp Genetics (formerly Invitae), Labcorp and Illumina Laboratory Services, Illumina).

NM_025136.4(OPA3):c.123C>G (p.Ile41Met)

Genes: OPA3 (outer mitochondrial membrane lipid metabolism regulator OPA3; minus strand), OPA3-RTN2 (OPA3-RTN2 readthrough; minus strand). Cytogenetic location: 19q13.32.
Variant type: single nucleotide variant.
Coding change: c.123C>G on transcript NM_025136.4 (MANE Select); coding-DNA position 123, C replaced by G.
Protein change: p.Ile41Met; replaces isoleucine 41 with methionine.
Molecular consequence: missense variant.
Genome position (GRCh38, 1-based): chr19:45,584,642, G>C on the plus strand (C>G on the coding strand, the complement: OPA3 is on the minus strand). VCF-style: chr19-45584642-G-C. GRCh37 (hg19) VCF-style: chr19-46087900-G-C.
Other names: c.123C>G, p.Ile41Met (NM_001017989.3); short protein forms I41M.
Identifiers: ClinVar variation 894212 (VCV000894212.33), dbSNP rs763083098, ClinGen allele CA9517484.
Genomic context (GRCh38, chr19:45,584,642, plus strand): 5'-GAGAAAGGAAAAAGGTTGGAGGGAATTCGGGTCAGACTCACGTTGAGCCGGCGGGAGGCA[G>C]ATATAGGTCTTGAAGAACTCGCTTCGGCGGGCGGCCTCCTTAATACGGTTGGCAAGCGGC-3'
Protein context (NP_079412.1, residues 31-51): ARRSEFFKTY[Ile41Met]CLPPAQLYHW